The following is an entry in ClinVar:

ClinVar aggregate classification (germline): Likely pathogenic (1 of 4 stars; one submission).

Conditions:
Autosomal recessive limb-girdle muscular dystrophy type 2J (LGMDR10). Also called: MUSCULAR DYSTROPHY, LIMB-GIRDLE, AUTOSOMAL RECESSIVE 10; Limb-girdle muscular dystrophy, type 2J. Identifiers: Orphanet 140922, MedGen C1837342, MONDO:0012127, OMIM 608807.
Dilated cardiomyopathy 1G (CMD1G). Identifiers: Orphanet 154, MedGen C1858763, MONDO:0011400, OMIM 604145.

Submission:

Labcorp Genetics (formerly Invitae), Labcorp
Classification: Likely pathogenic for Dilated cardiomyopathy 1G; Autosomal recessive limb-girdle muscular dystrophy type 2J. Last evaluated: 2025-05-15. Review status: criteria provided, single submitter. Criteria: Invitae Variant Classification Sherloc (09022015). Collection method: clinical testing. Allele origin: germline.
Comment: This sequence change creates a premature translational stop signal (p.Ser2859Leufs*37) in the TTN gene. While this is not anticipated to result in nonsense mediated decay, it is expected to create a truncated TTN protein. This variant is not present in population databases (gnomAD no frequency). This variant has not been reported in the literature in individuals affected with TTN-related conditions. This variant is located in the I band of TTN (PMID: 25589632). Truncating variants in this region have been reported in individuals affected with autosomal recessive centronuclear myopathy (PMID: 23975875, internal data). Truncating variants in this region have also been identified in individuals affected with autosomal dominant dilated cardiomyopathy and/or cardio-related conditions (PMID: 27869827, 32964742, internal data). In summary, the currently available evidence indicates that the variant is pathogenic, but additional data are needed to prove that conclusively. Therefore, this variant has been classified as Likely Pathogenic.

Literature cited by the submitters: PubMed 25589632; PubMed 23975875; PubMed 27869827; PubMed 32964742.

NM_001267550.2(TTN):c.8574dup (p.Ser2859fs)

Gene: TTN (titin; minus strand). Cytogenetic location: 2q31.2.
Variant type: Duplication.
Coding change: c.8574dup on transcript NM_001267550.2 (MANE Select); coding-DNA position 8574, one base duplicated (C; older notation c.8574dupC).
Protein change: p.Ser2859fs; shifts the reading frame from serine 2859.
Molecular consequence: frameshift variant.
Genome position (GRCh38, 1-based): chr2:178,770,127, G duplicated on the plus strand (C on the coding strand, the reverse complement: TTN is on the minus strand); the first of 5 consecutive G bases (chr2:178,770,127-178,770,131); duplicating any one gives the same sequence. VCF-style (leftmost placement, unchanged base first): chr2-178770126-A-AG. GRCh37 (hg19) VCF-style: chr2-179634853-A-AG.
Other names: c.8574dup, p.Ser2859fs (NM_001256850.1, NM_133378.4, NM_133379.5); c.8436dup, p.Ser2813fs (NM_003319.4, NM_133432.3, NM_133437.4); short protein forms S2813fs, S2859fs.
Identifiers: ClinVar variation 4793706 (VCV004793706.1).
Genomic context (GRCh38, chr2:178,770,126, plus strand): 5'-CAAACAGTTTTGCTTTGCATTCCAATTGCCCGACCACAGCTGTGTATTCCCCAGCATCTG[A>AG]GGGGGAGATGTTCTGCAGCATCAGCTTGTGGACTTTCCTTTCTGAGACCAGTCTGTGTTT-3'